The following is an entry in ClinVar:

ClinVar aggregate classification (germline): not provided (0 of 4 stars; one submission).

Conditions:
Uterine leiomyoma (UL). Also called: Uterine corpus leiomyoma. Identifiers: MedGen C0042133, MONDO:0007886, OMIM 150699, HP:0000131.

Submission:

Rajkovic Lab, University of Pittsburgh
No classification provided. Condition: Leiomyoma, uterine. Review status: no classification provided. Collection method: not provided. Allele origin: somatic.
ClinVar note: Converted during submission from Associated with leiomyomas to not provided.

NM_005120.3(MED12):c.126_140del (p.Lys42_Asn46del)

Gene: MED12 (mediator complex subunit 12; plus strand). Cytogenetic location: Xq13.1.
Variant type: Deletion.
Coding change: c.126_140del on transcript NM_005120.3 (MANE Select); coding-DNA positions 126 to 140, 15 bases deleted (ACAAGGTTTCAATAA).
Protein change: p.Lys42_Asn46del.
Molecular consequence: inframe deletion.
Genome position (GRCh38, 1-based): chrX:71,119,399-71,119,413, ACAAGGTTTCAATAA deleted; deleting any 15 consecutive bases within chrX:71,119,397-71,119,413 gives the same sequence; the c. name uses the placement nearest the transcript's 3' end. VCF-style (leftmost placement, unchanged base first): chrX-71119396-AAAACAAGGTTTCAAT-A. GRCh37 (hg19) VCF-style: chrX-70339246-AAAACAAGGTTTCAAT-A.
Identifiers: ClinVar variation 92213 (VCV000092213.2), dbSNP rs199469690, ClinGen allele CA145555.
Genomic context (GRCh38, chrX:71,119,396, plus strand): 5'-AAGGAAAAAACAACTAAACGCCGCTTTCCTGCCTCAGGATGAACTGACGGCCTTGAATGT[AAAACAAGGTTTCAAT>A]AACCAGCCTGCTGTCTCTGGGGATGAGCATGGCAGTGCCAAGAACGTCAGCTTCAATCCT-3'